The following is an entry in ClinVar:

NM_001184900.3(CARD8):c.1037C>T (p.Ala346Val)

Gene: CARD8 (caspase recruitment domain family member 8; minus strand). Cytogenetic location: 19q13.33.
Variant type: single nucleotide variant.
Coding change: c.1037C>T on transcript NM_001184900.3 (MANE Select); coding-DNA position 1037, C replaced by T.
Protein change: p.Ala346Val; replaces alanine 346 with valine.
Molecular consequence: missense variant. On other transcripts: non-coding transcript variant (3).
Genome position (GRCh38, 1-based): chr19:48,221,854, G>A on the plus strand (C>T on the coding strand, the complement: CARD8 is on the minus strand). VCF-style: chr19-48221854-G-A. GRCh37 (hg19) VCF-style: chr19-48725111-G-A.
Other names: c.887C>T, p.Ala296Val (NM_001184901.1, NM_001351783.2, NM_001351788.2 and 2 more transcripts); c.1037C>T, p.Ala346Val (NM_001184902.2, NM_001184903.1, NM_001351782.2); c.722C>T, p.Ala241Val (NM_001351784.2, NM_001351787.2, NM_001351791.2 and 1 more transcripts); c.701C>T, p.Ala234Val (NM_001351786.2); c.794C>T, p.Ala265Val (NM_001351790.2); c.719C>T, p.Ala240Val (NM_001365950.1); short protein forms A234V, A296V, A240V, A346V, A241V, A265V.
Identifiers: ClinVar variation 1934511 (VCV001934511.5), dbSNP rs1205153080, ClinGen allele CA406665412.

ClinVar aggregate classification (germline): Uncertain significance (1 of 4 stars; one submission).

Allele frequency attached by ClinVar (database versions not stated): TOPMed 0.00002.
gnomAD v4.1: 19 of 1,589,798 alleles (0.0012%); highest among the groups gnomAD compares: East Asian, 0.0045%; no homozygotes.

Submission:

Labcorp Genetics (formerly Invitae), Labcorp
Classification: Uncertain significance. Last evaluated: 2025-12-14. Review status: criteria provided, single submitter. Criteria: Invitae Variant Classification Sherloc (09022015). Collection method: clinical testing. Allele origin: germline.
Comment: This sequence change replaces alanine, which is neutral and non-polar, with valine, which is neutral and non-polar, at codon 296 of the CARD8 protein (p.Ala296Val). This variant is not present in population databases (gnomAD no frequency). This variant has not been reported in the literature in individuals affected with CARD8-related conditions. ClinVar contains an entry for this variant (Variation ID: 1934511). An algorithm developed to predict the effect of missense changes on protein structure and function (PolyPhen-2) suggests that this variant is likely to be tolerated. In summary, the available evidence is currently insufficient to determine the role of this variant in disease. Therefore, it has been classified as a Variant of Uncertain Significance.